The following is an entry in ClinVar:

ClinVar aggregate classification (germline): Uncertain significance (1 of 4 stars; one submission).

gnomAD v4.1: 2 of 1,614,018 alleles (0.00012%); highest among the groups gnomAD compares: Non-Finnish European, 0.00017%; no homozygotes.

Submission:

Labcorp Genetics (formerly Invitae), Labcorp
Classification: Uncertain significance. Last evaluated: 2025-08-27. Review status: criteria provided, single submitter. Criteria: Invitae Variant Classification Sherloc (09022015). Collection method: clinical testing. Allele origin: germline.
Comment: This sequence change replaces cysteine, which is neutral and slightly polar, with tyrosine, which is neutral and polar, at codon 114 of the GNB3 protein (p.Cys114Tyr). This variant is present in population databases (rs375004756, gnomAD 0.002%). This variant has not been reported in the literature in individuals affected with GNB3-related conditions. ClinVar contains an entry for this variant (Variation ID: 3618093). Invitae Evidence Modeling of protein sequence and biophysical properties (such as structural, functional, and spatial information, amino acid conservation, physicochemical variation, residue mobility, and thermodynamic stability) indicates that this missense variant is expected to disrupt GNB3 protein function with a positive predictive value of 80%. In summary, the available evidence is currently insufficient to determine the role of this variant in disease. Therefore, it has been classified as a Variant of Uncertain Significance.

NM_002075.4(GNB3):c.341G>A (p.Cys114Tyr)

Gene: GNB3 (G protein subunit beta 3; plus strand). Cytogenetic location: 12p13.31.
Variant type: single nucleotide variant.
Coding change: c.341G>A on transcript NM_002075.4 (MANE Select); coding-DNA position 341, G replaced by A.
Protein change: p.Cys114Tyr; replaces cysteine 114 with tyrosine.
Molecular consequence: missense variant.
Genome position (GRCh38, 1-based): chr12:6,843,436, G>A. VCF-style: chr12-6843436-G-A. GRCh37 (hg19) VCF-style: chr12-6952600-G-A.
Other names: c.341G>A, p.Cys114Tyr (NM_001297571.2); short protein forms C114Y.
Identifiers: ClinVar variation 3618093 (VCV003618093.2).